The following is an entry in ClinVar:

ClinVar aggregate classification (germline): Likely pathogenic (1 of 4 stars; one submission).

gnomAD v4.1: 73 of 1,611,514 alleles (0.0045%); highest among the groups gnomAD compares: Non-Finnish European, 0.006%; no homozygotes.

Submission:

Labcorp Genetics (formerly Invitae), Labcorp
Classification: Likely pathogenic. Last evaluated: 2024-04-10. Review status: criteria provided, single submitter. Criteria: Invitae Variant Classification Sherloc (09022015). Collection method: clinical testing. Allele origin: germline.
Comment: This sequence change affects a donor splice site in intron 7 of the VARS2 gene. It is expected to disrupt RNA splicing. Variants that disrupt the donor or acceptor splice site typically lead to a loss of protein function (PMID: 16199547), and loss-of-function variants in VARS2 are known to be pathogenic (PMID: 29313548). This variant is present in population databases (no rsID available, gnomAD 0.0008%). This variant has not been reported in the literature in individuals affected with VARS2-related conditions. Algorithms developed to predict the effect of sequence changes on RNA splicing suggest that this variant may disrupt the consensus splice site. In summary, the currently available evidence indicates that the variant is pathogenic, but additional data are needed to prove that conclusively. Therefore, this variant has been classified as Likely Pathogenic.

Literature cited by the submitters: PubMed 16199547; PubMed 29313548.

NM_020442.6(VARS2):c.671+1G>A

Gene: VARS2 (valyl-tRNA synthetase 2, mitochondrial; plus strand). Cytogenetic location: 6p21.33.
Variant type: single nucleotide variant.
Coding change: c.671+1G>A on transcript NM_020442.6 (MANE Select); the canonical splice donor site of the intron after coding-DNA position 671, G replaced by A.
Molecular consequence: splice donor variant.
Genome position (GRCh38, 1-based): chr6:30,916,250, G>A. VCF-style: chr6-30916250-G-A. GRCh37 (hg19) VCF-style: chr6-30884027-G-A.
Other names: c.761+1G>A (NM_001167734.2); c.251+1G>A (NM_001167733.3).
Identifiers: ClinVar variation 2788715 (VCV002788715.3), dbSNP rs1017764354, ClinGen allele CA136804253.
Genomic context (GRCh38, chr6:30,916,250, plus strand): 5'-GAGGAGACATGAGCTGAGCCGGGAGGCCTTCCTTAGGGAGGTGTGGCAGTGGAAGGAGGC[G>A]TGAGTATGATGGGCAGGACTCGGGGGGCCCAGATGGCAGATTTGGTTTCTTGCCTCCCAC-3'